The following is an entry in ClinVar:

NC_000019.9:g.(41040251_41055094)_(41082371_?)dup

Gene: SPTBN4 (spectrin beta, non-erythrocytic 4; plus strand). Cytogenetic location: 19q13.2.
Variant type: Duplication.
Identifiers: ClinVar variation 4536681 (VCV004536681.1).

ClinVar aggregate classification (germline): Uncertain significance (1 of 4 stars; one submission).

Submission:

Women's Health and Genetics/Laboratory Corporation of America, LabCorp
Classification: Uncertain significance. Last evaluated: 2025-11-28. Review status: criteria provided, single submitter. Criteria: LabCorp Variant Classification Summary - May 2015. Collection method: clinical testing. Allele origin: germline.
Comment: Variant summary: The variant involves the duplication of exons 21-36 in the SPTBN4 gene. A presumed nomenclature of c.(4359+1_4360-1)_(*896_?)dup has been designated for the purposes of this classification. The exact breakpoint at the 3' end of this variant is unknown, therefore this duplication may extend downstream of the annotated region of the gene. As it duplicates the termination codon, its effect on the encoded protein is unknown. A similar duplication was found at a frequency of 9.2e-05 in 21694 control chromosomes. The available data on variant occurrences in the general population are insufficient to allow any conclusion about variant significance. To our knowledge, no occurrence of c.(4359+1_4360-1)_(*896_?)dup in individuals affected with SPTBN4-related conditions and no experimental evidence demonstrating its impact on protein function have been reported. No submitters have cited clinical-significance assessments for this variant to ClinVar. Based on the evidence outlined above, the variant was classified as uncertain significance.